The following is an entry in ClinVar:

NM_024854.5(PYROXD1):c.107A>G (p.Glu36Gly)

Gene: PYROXD1 (pyridine nucleotide-disulphide oxidoreductase domain 1; plus strand). Cytogenetic location: 12p12.1.
Variant type: single nucleotide variant.
Coding change: c.107A>G on transcript NM_024854.5 (MANE Select); coding-DNA position 107, A replaced by G.
Protein change: p.Glu36Gly; replaces glutamic acid 36 with glycine.
Molecular consequence: missense variant. On other transcripts: 5 prime UTR variant (2).
Genome position (GRCh38, 1-based): chr12:21,440,390, A>G. VCF-style: chr12-21440390-A-G. GRCh37 (hg19) VCF-style: chr12-21593324-A-G.
Other names: c.-107A>G (NM_001350912.2); c.-597A>G (NM_001350913.2); short protein forms E36G.
Identifiers: ClinVar variation 1518531 (VCV001518531.6), dbSNP rs1337032709, ClinGen allele CA384298689.

ClinVar aggregate classification (germline): Uncertain significance (1 of 4 stars; one submission).

Allele frequency attached by ClinVar (database versions not stated): TOPMed 0.00001.

Submission:

Labcorp Genetics (formerly Invitae), Labcorp
Classification: Uncertain significance. Last evaluated: 2021-11-02. Review status: criteria provided, single submitter. Criteria: Invitae Variant Classification Sherloc (09022015). Collection method: clinical testing. Allele origin: germline.
Comment: In summary, the available evidence is currently insufficient to determine the role of this variant in disease. Therefore, it has been classified as a Variant of Uncertain Significance. Algorithms developed to predict the effect of missense changes on protein structure and function are either unavailable or do not agree on the potential impact of this missense change (SIFT: "Tolerated"; PolyPhen-2: "Possibly Damaging"; Align-GVGD: "Class C0"). This variant has not been reported in the literature in individuals affected with PYROXD1-related conditions. This variant is not present in population databases (gnomAD no frequency). This sequence change replaces glutamic acid, which is acidic and polar, with glycine, which is neutral and non-polar, at codon 36 of the PYROXD1 protein (p.Glu36Gly).